The following is an entry in ClinVar:

NM_144991.3(TSPEAR):c.160del (p.His54fs)

Gene: TSPEAR (thrombospondin type laminin G domain and EAR repeats; minus strand). Cytogenetic location: 21q22.3.
Variant type: Deletion.
Coding change: c.160del on transcript NM_144991.3 (MANE Select); coding-DNA position 160, one base deleted (C; older notation c.160delC).
Protein change: p.His54fs; shifts the reading frame from histidine 54.
Molecular consequence: frameshift variant. On other transcripts: 5 prime UTR variant (1).
Genome position (GRCh38, 1-based): chr21:44,567,928, G deleted on the plus strand (C on the coding strand, the reverse complement: TSPEAR is on the minus strand). VCF-style (leftmost placement, unchanged base first): chr21-44567927-TG-T. GRCh37 (hg19) VCF-style: chr21-45987811-TG-T.
Other names: c.-45del (NM_001272037.2); short protein forms H54fs.
Identifiers: ClinVar variation 2415153 (VCV002415153.3), dbSNP rs1555921959, ClinGen allele CA638495238.
Genomic context (GRCh38, chr21:44,567,927, plus strand): 5'-GATGCTGGGAAGCTCATGGTGCGGGGGGCGGCTACTGAGAGCTGGAGTCCCCGTGCACCG[TG>T]AACCTGAACTATCCTGATCCCGCTTGTGGCGCCATCAGAAGGGACCACTTCCGCCAGGAT-3'

ClinVar aggregate classification (germline): Pathogenic (1 of 4 stars; one submission).

Allele frequency attached by ClinVar (database versions not stated): gnomAD 0.00001; gnomAD exomes 0.00001.

Submission:

Labcorp Genetics (formerly Invitae), Labcorp
Classification: Pathogenic. Last evaluated: 2022-07-05. Review status: criteria provided, single submitter. Criteria: Invitae Variant Classification Sherloc (09022015). Collection method: clinical testing. Allele origin: germline.
Comment: This sequence change creates a premature translational stop signal (p.His54Thrfs*10) in the TSPEAR gene. It is expected to result in an absent or disrupted protein product. Loss-of-function variants in TSPEAR are known to be pathogenic (PMID: 34042254). This variant is present in population databases (no rsID available, gnomAD 0.007%). This variant has not been reported in the literature in individuals affected with TSPEAR-related conditions. For these reasons, this variant has been classified as Pathogenic.

Literature cited by the submitters: PubMed 34042254.